The following is an entry in ClinVar:

NM_001292034.3(TAB2):c.851A>T (p.Tyr284Phe)

Genes: TAB2 (TGF-beta activated kinase 1 (MAP3K7) binding protein 2; plus strand), LOC126859827 (BRD4-independent group 4 enhancer GRCh37_chr6:149699707-149700906; plus strand). Cytogenetic location: 6q25.1.
Variant type: single nucleotide variant.
Coding change: c.851A>T on transcript NM_001292034.3 (MANE Select); coding-DNA position 851, A replaced by T.
Protein change: p.Tyr284Phe; replaces tyrosine 284 with phenylalanine.
Molecular consequence: missense variant.
Genome position (GRCh38, 1-based): chr6:149,378,766, A>T. VCF-style: chr6-149378766-A-T. GRCh37 (hg19) VCF-style: chr6-149699902-A-T.
Other names: c.755A>T, p.Tyr252Phe (NM_001292035.3); c.851A>T, p.Tyr284Phe (NM_001369506.1, NM_015093.6); short protein forms Y252F, Y284F.
Identifiers: ClinVar variation 3777290 (VCV003777290.1).

ClinVar aggregate classification (germline): Uncertain significance (1 of 4 stars; one submission).

Submission:

GeneDx
Classification: Uncertain significance. Last evaluated: 2024-10-13. Review status: criteria provided, single submitter. Criteria: GeneDx Variant Classification Process June 2021. Collection method: clinical testing. Allele origin: germline. Affected: yes.
Comment: Not observed at significant frequency in large population cohorts (gnomAD); In silico analysis indicates that this missense variant does not alter protein structure/function; Has not been previously published as pathogenic or benign to our knowledge